The following is an entry in ClinVar:

NM_001077365.2(POMT1):c.699+40A>G

Gene: POMT1 (protein O-mannosyltransferase 1; plus strand). Cytogenetic location: 9q34.13.
Variant type: single nucleotide variant.
Coding change: c.699+40A>G on transcript NM_001077365.2 (MANE Select); 40 bases into the intron after coding-DNA position 699, A replaced by G.
Molecular consequence: intron variant. On other transcripts: missense variant (7), non-coding transcript variant (1).
Genome position (GRCh38, 1-based): chr9:131,510,036, A>G. VCF-style: chr9-131510036-A-G. GRCh37 (hg19) VCF-style: chr9-134385423-A-G.
Other names: c.739A>G, p.Met247Val (NM_001353193.2, NM_007171.4); c.577A>G, p.Met193Val (NM_001353197.2, NM_001353198.2, NM_001374689.1); c.388A>G, p.Met130Val (NM_001353199.2); c.283A>G, p.Met95Val (NM_001374695.1); c.699+40A>G (NM_001136113.2, NM_001374690.1); c.537+40A>G (NM_001353194.2, NM_001077366.2, NM_001374693.1); c.348+40A>G (NM_001374691.1, NM_001353195.2, NM_001374692.1 and 1 more transcripts); c.609+40A>G (NM_001353196.2); and 1 more; short protein forms M130V, M247V, M193V, M95V.
Identifiers: ClinVar variation 2194570 (VCV002194570.1), dbSNP rs1411789326, ClinGen allele CA375307544.

ClinVar aggregate classification (germline): Uncertain significance (1 of 4 stars; one submission).

Conditions:
Walker-Warburg congenital muscular dystrophy. Also called: Muscular dystrophy-dystroglycanopathy, type A; Walker-Warburg syndrome. Identifiers: Orphanet 899, MedGen C0265221, MONDO:0000171.
Autosomal recessive limb-girdle muscular dystrophy type 2K. Also called: MUSCULAR DYSTROPHY-DYSTROGLYCANOPATHY (LIMB-GIRDLE), TYPE C, 1; MUSCULAR DYSTROPHY, LIMB-GIRDLE, TYPE 2K. Identifiers: Orphanet 86812, MedGen C1836373, MONDO:0012248, OMIM 609308.
Muscular dystrophy-dystroglycanopathy (congenital with impaired intellectual development), type B, 1. Also called: Muscular dystrophy-dystroglycanopathy (congenital with intellectual disability), type B1; MUSCULAR DYSTROPHY, CONGENITAL, POMT1-RELATED. Identifiers: MedGen C5436962, MONDO:0013159, OMIM 613155.

Allele frequency attached by ClinVar (database versions not stated): TOPMed below 0.00001; gnomAD 0.00001; gnomAD exomes 0.00001.
gnomAD v4.1: 9 of 1,613,954 alleles (0.00056%); highest among the groups gnomAD compares: East Asian, 0.018%; no homozygotes.

Submission:

Labcorp Genetics (formerly Invitae), Labcorp
Classification: Uncertain significance for Muscular dystrophy-dystroglycanopathy (congenital with impaired intellectual development), type B, 1; Walker-Warburg congenital muscular dystrophy; Autosomal recessive limb-girdle muscular dystrophy type 2K. Last evaluated: 2022-04-10. Review status: criteria provided, single submitter. Criteria: Invitae Variant Classification Sherloc (09022015). Collection method: clinical testing. Allele origin: germline.
Comment: This sequence change replaces methionine, which is neutral and non-polar, with valine, which is neutral and non-polar, at codon 247 of the POMT1 protein (p.Met247Val). This variant is not present in population databases (gnomAD no frequency). This variant has not been reported in the literature in individuals affected with POMT1-related conditions. Algorithms developed to predict the effect of missense changes on protein structure and function output the following: SIFT: "Deleterious"; PolyPhen-2: "Benign"; Align-GVGD: "Class C0". The valine amino acid residue is found in multiple mammalian species, which suggests that this missense change does not adversely affect protein function. In summary, the available evidence is currently insufficient to determine the role of this variant in disease. Therefore, it has been classified as a Variant of Uncertain Significance.